The following is an entry in ClinVar:

NM_000069.3(CACNA1S):c.4522C>G (p.Gln1508Glu)

Gene: CACNA1S (calcium voltage-gated channel subunit alpha1 S; minus strand). Cytogenetic location: 1q32.1.
Variant type: single nucleotide variant.
Coding change: c.4522C>G on transcript NM_000069.3 (MANE Select); coding-DNA position 4522, C replaced by G.
Protein change: p.Gln1508Glu; replaces glutamine 1508 with glutamic acid.
Molecular consequence: missense variant.
Genome position (GRCh38, 1-based): chr1:201,047,546, G>C on the plus strand (C>G on the coding strand, the complement: CACNA1S is on the minus strand). VCF-style: chr1-201047546-G-C. GRCh37 (hg19) VCF-style: chr1-201016674-G-C.
Other names: short protein forms Q1508E.
Identifiers: ClinVar variation 422368 (VCV000422368.31), dbSNP rs970352258, ClinGen allele CA16617038.
Genomic context (GRCh38, chr1:201,047,546, plus strand): 5'-GGCTGCTTCTGGACTCTGGTCCCCCAAAGTAGCACCTACCTCCTATTGGAGGGATGACCT[G>C]GTCCAAGAGCTTCATGCTGGTTCTCTTCCAGATCTTCTTGATGATGGCCCTCAGCTCCTC-3'
Protein context (NP_000060.2, residues 1498-1518): WKRTSMKLLD[Gln1508Glu]VIPPIGDDEV

ClinVar aggregate classification (germline): Conflicting classifications of pathogenicity. Review status: criteria provided, conflicting classifications (1 of 4 stars). 10 submissions from 7 submitters: Uncertain significance (9); Likely benign (1). Last evaluated 2025-10-23.

Conditions:
Congenital myopathy 18. Also called: Myopathy, congenital, due to dihydropyridine receptor defect; DIHYDROPYRIDINE RECEPTOR CONGENITAL MYOPATHY; DHPR CONGENITAL MYOPATHY. Identifiers: MedGen C5830283, MONDO:0859514, OMIM 620246.
Malignant hyperthermia, susceptibility to, 5 (MHS5). Also called: CACNA1S-Related Malignant Hyperthermia Susceptibility. Identifiers: Orphanet 423, MedGen C1866077, MONDO:0011163, OMIM 601887.
Hypokalemic periodic paralysis, type 1. Also called: Hypokalemic Periodic Paralysis Type 1 (AD); HypoPP. Identifiers: Orphanet 681, MedGen C3714580, MONDO:0042979, OMIM 170400.
Thyrotoxic periodic paralysis, susceptibility to, 1 (TTPP1). Identifiers: Orphanet 79102, MedGen C2749982, MONDO:0008570, OMIM 188580.

Allele frequency attached by ClinVar (database versions not stated): gnomAD 0.00003; TOPMed 0.00003.
gnomAD v4.1: 5 of 1,613,706 alleles (0.00031%); highest among the groups gnomAD compares: African/African-American, 0.0067%; no homozygotes.

Submissions (10):

Labcorp Genetics (formerly Invitae), Labcorp
Classification: Likely benign for Hypokalemic periodic paralysis, type 1; Malignant hyperthermia, susceptibility to, 5. Last evaluated: 2025-10-23. Review status: criteria provided, single submitter. Criteria: Invitae Variant Classification Sherloc (09022015). Collection method: clinical testing. Allele origin: germline.

Color Diagnostics, LLC DBA Color Health
Classification: Uncertain significance for Malignant hyperthermia, susceptibility to, 5. Last evaluated: 2024-07-10. Review status: criteria provided, single submitter. Criteria: ACMG Guidelines, 2015. Collection method: clinical testing. Allele origin: germline.
Comment: This missense variant replaces glutamine with glutamic acid at codon 1508 of the CACNA1S protein. Computational prediction suggests that this variant may not impact protein structure and function. To our knowledge, functional studies have not been reported for this variant. This variant has not been reported in individuals affected with CACNA1S-related disorders in the literature. This variant has been identified in 2/31388 chromosomes in the general population by the Genome Aggregation Database (gnomAD). The available evidence is insufficient to determine the role of this variant in disease conclusively. Therefore, this variant is classified as a Variant of Uncertain Significance.

CeGaT Center for Human Genetics Tuebingen
Classification: Uncertain significance. Last evaluated: 2024-05-01. Review status: criteria provided, single submitter. Criteria: CeGaT Center For Human Genetics Tuebingen Variant Classification Criteria Version 2. Collection method: clinical testing. Allele origin: germline. Affected: yes. Observed: 1 variant allele.

All of Us Research Program, National Institutes of Health
Classification: Uncertain significance for Malignant hyperthermia, susceptibility to, 5. Last evaluated: 2023-08-15. Review status: criteria provided, single submitter. Criteria: ACMG Guidelines, 2015. Collection method: clinical testing. Allele origin: germline. Inheritance: Autosomal dominant inheritance. Observed: 1 variant allele, 1 heterozygote.
Comment: This study involves interpretation of variants in research participants for the purpose of population health screening. Participant phenotype was not available at the time of variant classification. Additional details can be found in publication PMID: 35346344, PMCID: PMC8962531

Genome-Nilou Lab
Classification: Uncertain significance for Malignant hyperthermia, susceptibility to, 5. Last evaluated: 2023-04-11. Review status: criteria provided, single submitter. Criteria: ACMG Guidelines, 2015. Collection method: clinical testing. Allele origin: germline. Affected: no.

Genome-Nilou Lab
Classification: Uncertain significance for Thyrotoxic periodic paralysis, susceptibility to, 1. Last evaluated: 2023-04-11. Review status: criteria provided, single submitter. Criteria: ACMG Guidelines, 2015. Collection method: clinical testing. Allele origin: germline. Affected: no.

Genome-Nilou Lab
Classification: Uncertain significance for Congenital myopathy 18. Last evaluated: 2023-04-11. Review status: criteria provided, single submitter. Criteria: ACMG Guidelines, 2015. Collection method: clinical testing. Allele origin: germline. Affected: no.

Genome-Nilou Lab
Classification: Uncertain significance for Hypokalemic periodic paralysis, type 1. Last evaluated: 2023-04-11. Review status: criteria provided, single submitter. Criteria: ACMG Guidelines, 2015. Collection method: clinical testing. Allele origin: germline. Affected: no.

Fulgent Genetics
Classification: Uncertain significance for Hypokalemic periodic paralysis, type 1; Thyrotoxic periodic paralysis, susceptibility to, 1; Malignant hyperthermia, susceptibility to, 5. Last evaluated: 2022-03-24. Review status: criteria provided, single submitter. Criteria: ACMG Guidelines, 2015. Collection method: clinical testing. Allele origin: unknown.

GeneDx
Classification: Uncertain significance. Last evaluated: 2016-10-21. Review status: criteria provided, single submitter. Criteria: GeneDx Variant Classification (06012015). Collection method: clinical testing. Allele origin: germline. Affected: yes.
Comment: The Q1508E variant has not been published as a pathogenic variant, nor has it been reported as a benign variant to our knowledge. It was not observed in approximately 6,500 individuals of European and African American ancestry in the NHLBI Exome Sequencing Project, indicating it is not a common benign variant in these populations. The Q1508E variant is a semi-conservative amino acid substitution, which may impact secondary protein structure as these residues differ in some properties. This substitution occurs at a position that is conserved across species, however, missense variants in nearby residues have not been reported in the Human Gene Mutation Database in association with CACNA1S-related disorders (Stenson et al., 2014). In silico analysis is inconsistent in its predictions as to whether or not the variant is damaging to the protein structure/function.